The following is an entry in ClinVar:

NM_000122.2(ERCC3):c.529G>A (p.Val177Ile)

Gene: ERCC3 (ERCC excision repair 3, TFIIH core complex helicase subunit; minus strand). Cytogenetic location: 2q14.3.
Variant type: single nucleotide variant.
Coding change: c.529G>A on transcript NM_000122.2 (MANE Select); coding-DNA position 529, G replaced by A.
Protein change: p.Val177Ile; replaces valine 177 with isoleucine.
Molecular consequence: missense variant.
Genome position (GRCh38, 1-based): chr2:127,289,817, C>T on the plus strand (G>A on the coding strand, the complement: ERCC3 is on the minus strand). VCF-style: chr2-127289817-C-T. GRCh37 (hg19) VCF-style: chr2-128047393-C-T.
Other names: c.337G>A, p.Val113Ile (NM_001303416.2, NM_001303418.2); short protein forms V113I, V177I.
Identifiers: ClinVar variation 893612 (VCV000893612.11), dbSNP rs139690693, ClinGen allele CA1858513.

ClinVar aggregate classification (germline): Uncertain significance. Review status: criteria provided, multiple submitters, no conflicts (2 of 4 stars). 4 submissions from 4 submitters: Uncertain significance (4). Last evaluated 2023-12-27.

Conditions:
Xeroderma pigmentosum group B. Also called: XP, GROUP B; XPB/CS; XERODERMA PIGMENTOSUM B/COCKAYNE SYNDROME; ERCC3-Related Xeroderma Pigmentosum. Identifiers: MedGen C0268136, MONDO:0012531, OMIM 610651.
Inborn genetic diseases. Identifiers: MedGen C0950123, MeSH D030342.

Allele frequency attached by ClinVar (database versions not stated): ExAC 0.00002; gnomAD exomes 0.00003; TOPMed 0.00006; gnomAD 0.00007; 1000 Genomes Project 30x 0.00016; 1000 Genomes Project 0.00020; ESP Exome Variant Server 0.00023.

Submissions (4):

Ambry Genetics
Classification: Uncertain significance for Inborn genetic diseases. Last evaluated: 2023-12-27. Review status: criteria provided, single submitter. Criteria: Ambry Variant Classification Scheme 2023. Collection method: clinical testing. Allele origin: germline.

Labcorp Genetics (formerly Invitae), Labcorp
Classification: Uncertain significance. Last evaluated: 2022-06-04. Review status: criteria provided, single submitter. Criteria: Invitae Variant Classification Sherloc (09022015). Collection method: clinical testing. Allele origin: germline.
Comment: ClinVar contains an entry for this variant (Variation ID: 893612). This sequence change replaces valine, which is neutral and non-polar, with isoleucine, which is neutral and non-polar, at codon 177 of the ERCC3 protein (p.Val177Ile). This variant is present in population databases (rs139690693, gnomAD 0.007%). This variant has not been reported in the literature in individuals affected with ERCC3-related conditions. Algorithms developed to predict the effect of missense changes on protein structure and function (SIFT, PolyPhen-2, Align-GVGD) all suggest that this variant is likely to be tolerated. In summary, the available evidence is currently insufficient to determine the role of this variant in disease. Therefore, it has been classified as a Variant of Uncertain Significance.

Institute for Clinical Genetics, University Hospital TU Dresden, University Hospital TU Dresden
Classification: Uncertain significance. Last evaluated: 2021-11-03. Review status: criteria provided, single submitter. Criteria: ACMG Guidelines, 2015. Collection method: clinical testing. Allele origin: germline.

Illumina Laboratory Services, Illumina
Classification: Uncertain significance for Xeroderma pigmentosum group B. Last evaluated: 2018-01-13. Review status: criteria provided, single submitter. Criteria: ICSL Variant Classification Criteria 13 December 2019. Collection method: clinical testing. Allele origin: germline.